The following is an entry in ClinVar:

NM_004370.6(COL12A1):c.2594C>A (p.Thr865Lys)

Gene: COL12A1 (collagen type XII alpha 1 chain; minus strand). Cytogenetic location: 6q13.
Variant type: single nucleotide variant.
Coding change: c.2594C>A on transcript NM_004370.6 (MANE Select); coding-DNA position 2594, C replaced by A.
Protein change: p.Thr865Lys; replaces threonine 865 with lysine.
Molecular consequence: missense variant. On other transcripts: intron variant (3).
Genome position (GRCh38, 1-based): chr6:75,175,154, G>T on the plus strand (C>A on the coding strand, the complement: COL12A1 is on the minus strand). VCF-style: chr6-75175154-G-T. GRCh37 (hg19) VCF-style: chr6-75884870-G-T.
Other names: c.2594C>A, p.Thr865Lys (NM_001424113.1, NM_001424114.1); c.74-22672C>A (NM_001424116.1, NM_080645.3); c.2437+2509C>A (NM_001424115.1); c.2594C>A (NM_004370.5); short protein forms T865K.
Identifiers: ClinVar variation 4788252 (VCV004788252.2).

ClinVar aggregate classification (germline): Uncertain significance. Review status: criteria provided, multiple submitters, no conflicts (2 of 4 stars). 2 submissions from 2 submitters: Uncertain significance (2). Last evaluated 2026-03-04.

Conditions:
Ullrich congenital muscular dystrophy 2 (UCMD2). Identifiers: Orphanet 75840, MedGen C4225314, MONDO:0014654, OMIM 616470.
Bethlem myopathy 2 (BTHLM2). Identifiers: Orphanet 536516, Orphanet 610, MedGen C4225313, MONDO:0034022, OMIM 616471.

gnomAD v4.1: 2 of 1,614,076 alleles (0.00012%); highest among the groups gnomAD compares: African/African-American, 0.0027%; no homozygotes.

Submissions (2):

GeneDx
Classification: Uncertain significance. Last evaluated: 2026-03-04. Review status: criteria provided, single submitter. Criteria: GeneDx Variant Classification Process June 2021. Collection method: clinical testing. Allele origin: germline.
Comment: Not observed at significant frequency in large population cohorts (gnomAD); In silico analysis suggests that this missense variant does not alter protein structure/function; Has not been previously published as pathogenic or benign to our knowledge

Labcorp Genetics (formerly Invitae), Labcorp
Classification: Uncertain significance for Bethlem myopathy 2; Ullrich congenital muscular dystrophy 2. Last evaluated: 2025-03-04. Review status: criteria provided, single submitter. Criteria: Invitae Variant Classification Sherloc (09022015). Collection method: clinical testing. Allele origin: germline.
Comment: This sequence change replaces threonine, which is neutral and polar, with lysine, which is basic and polar, at codon 865 of the COL12A1 protein (p.Thr865Lys). This variant is not present in population databases (gnomAD no frequency). This variant has not been reported in the literature in individuals affected with COL12A1-related conditions. Invitae Evidence Modeling of protein sequence and biophysical properties (such as structural, functional, and spatial information, amino acid conservation, physicochemical variation, residue mobility, and thermodynamic stability) indicates that this missense variant is not expected to disrupt COL12A1 protein function with a negative predictive value of 80%. In summary, the available evidence is currently insufficient to determine the role of this variant in disease. Therefore, it has been classified as a Variant of Uncertain Significance.